The following is an entry in ClinVar:

ClinVar aggregate classification (germline): Uncertain significance (1 of 4 stars; one submission).

Conditions:
Hereditary cancer-predisposing syndrome. Also called: Hereditary neoplastic syndrome; Hereditary Cancer Syndrome; Neoplastic Syndromes, Hereditary; Tumor predisposition. Identifiers: Orphanet 140162, MedGen C0027672, MeSH D009386, MONDO:0015356.

Submission:

Color Diagnostics, LLC DBA Color Health
Classification: Uncertain significance for Hereditary cancer-predisposing syndrome. Last evaluated: 2022-10-11. Review status: criteria provided, single submitter. Criteria: ACMG Guidelines, 2015. Collection method: clinical testing. Allele origin: germline.
Comment: This variant causes a duplication of 5 nucleotides in intron 9 of the MSH6 gene. To our knowledge, functional studies have not been reported for this variant. This variant has not been reported in individuals affected with hereditary cancer in the literature. This variant has been identified in 1/30604 chromosomes in the general population by the Genome Aggregation Database (gnomAD). The available evidence is insufficient to determine the role of this variant in disease conclusively. Therefore, this variant is classified as a Variant of Uncertain Significance.

NM_000179.3(MSH6):c.4002-9_4002-5dup

Gene: MSH6 (mutS homolog 6; plus strand). Cytogenetic location: 2p16.3.
Variant type: Duplication.
Coding change: c.4002-9_4002-5dup on transcript NM_000179.3 (MANE Select); 9 bases into the intron before coding-DNA position 4002 through 5 bases into the intron before coding-DNA position 4002, 5 bases duplicated (AATTT; older notation c.4002-9_4002-5dupAATTT).
Molecular consequence: intron variant.
Genome position (GRCh38, 1-based): chr2:47,806,770-47,806,774, AATTT duplicated; duplicating any 5 consecutive bases within chr2:47,806,767-47,806,774 gives the same sequence; the c. name uses the placement nearest the transcript's 3' end. VCF-style (leftmost placement, unchanged base first): chr2-47806766-T-TTTTAA. GRCh37 (hg19) VCF-style: chr2-48033905-T-TTTTAA.
Other names: c.4002-9_4002-5dup (NM_001406809.1, NM_001406796.1); c.3096-9_3096-5dup (NM_001406811.1, NM_001406814.1, NM_001281493.2 and 6 more transcripts); c.3705-9_3705-5dup (NM_001406805.1, NM_001406797.1, NM_001406818.1 and 8 more transcripts); c.4098-9_4098-5dup (NM_001406795.1); c.3898-9_3898-5dup (NM_001406802.1); c.4008-9_4008-5dup (NM_001406813.1); c.3477-9_3477-5dup (NM_001406807.1, NM_001406799.1, NM_001406806.1); c.4002-14_4002-10dup (NM_001406808.1); and 11 more.
Identifiers: ClinVar variation 2773674 (VCV002773674.2), dbSNP rs1064793303, ClinGen allele CA532705575.